The following is an entry in ClinVar:

ClinVar aggregate classification (germline): Uncertain significance. Review status: criteria provided, multiple submitters, no conflicts (2 of 4 stars). 2 submissions from 2 submitters: Uncertain significance (2). Last evaluated 2025-12-13.

Allele frequency attached by ClinVar (database versions not stated): TOPMed 0.00001.

Submissions (2):

Labcorp Genetics (formerly Invitae), Labcorp
Classification: Uncertain significance. Last evaluated: 2025-12-13. Review status: criteria provided, single submitter. Criteria: Invitae Variant Classification Sherloc (09022015). Collection method: clinical testing. Allele origin: germline.
Comment: This sequence change replaces arginine, which is basic and polar, with proline, which is neutral and non-polar, at codon 659 of the ITGB3 protein (p.Arg659Pro). This variant is present in population databases (rs377302275, gnomAD 0.02%). This variant has not been reported in the literature in individuals affected with ITGB3-related conditions. ClinVar contains an entry for this variant (Variation ID: 435537). Invitae Evidence Modeling of protein sequence and biophysical properties (such as structural, functional, and spatial information, amino acid conservation, physicochemical variation, residue mobility, and thermodynamic stability) has been performed for this missense variant. However, the output from this modeling did not meet the statistical confidence thresholds required to predict the impact of this variant on ITGB3 protein function. In summary, the available evidence is currently insufficient to determine the role of this variant in disease. Therefore, it has been classified as a Variant of Uncertain Significance.

Genetic Services Laboratory, University of Chicago
Classification: Uncertain significance. Last evaluated: 2017-03-10. Review status: criteria provided, single submitter. Criteria: ACMG Guidelines, 2015. Collection method: clinical testing. Allele origin: germline. Affected: no.

NM_000212.3(ITGB3):c.1976G>C (p.Arg659Pro)

Gene: ITGB3 (integrin subunit beta 3; plus strand). Cytogenetic location: 17q21.32.
Variant type: single nucleotide variant.
Coding change: c.1976G>C on transcript NM_000212.3 (MANE Select); coding-DNA position 1976, G replaced by C.
Protein change: p.Arg659Pro; replaces arginine 659 with proline.
Molecular consequence: missense variant.
Genome position (GRCh38, 1-based): chr17:47,300,540, G>C. VCF-style: chr17-47300540-G-C. GRCh37 (hg19) VCF-style: chr17-45377906-G-C.
Other names: short protein forms R659P.
Identifiers: ClinVar variation 435537 (VCV000435537.7), dbSNP rs377302275, ClinGen allele CA8623408.